The following is an entry in ClinVar:

ClinVar aggregate classification (germline): Uncertain significance (1 of 4 stars; one submission).

Submission:

Geisinger Autism and Developmental Medicine Institute, Geisinger Health System
Classification: Uncertain significance. Last evaluated: 2018-03-01. Review status: criteria provided, single submitter. Criteria: ACMG Guidelines, 2015. Collection method: provider interpretation, clinical testing. Allele origin: maternal. Observed: 1 variant allele.
Comment: In the gnomAD database, this variant is found in 1 allele out of 604 alleles from the Latino population but is not present in any other populations. This is a gene of uncertain significance; no known human disorders have been clearly associated with this gene. The gene is not constrained for missense or loss of function variants, and focal deletions are reported in the Database of Genomic Variation.

NM_001669.4(ARSD):c.42del (p.Arg15fs)

Genes: ARSD (arylsulfatase D; minus strand), LOC130067891 (ATAC-STARR-seq lymphoblastoid silent region 20639; plus strand). Cytogenetic location: Xp22.33.
Variant type: Deletion.
Coding change: c.42del on transcript NM_001669.4 (MANE Select); coding-DNA position 42, one base deleted (C; older notation c.42delC).
Protein change: p.Arg15fs; shifts the reading frame from arginine 15.
Molecular consequence: frameshift variant.
Genome position (GRCh38, 1-based): chrX:2,929,234, G deleted on the plus strand (C on the coding strand, the reverse complement: ARSD is on the minus strand); the first of 2 consecutive G bases (chrX:2,929,234-2,929,235); deleting either gives the same sequence. VCF-style (leftmost placement, unchanged base first): chrX-2929233-TG-T. GRCh37 (hg19) VCF-style: chrX-2847274-TG-T.
Other names: c.42del, p.Arg15fs (NM_009589.5); short protein forms R15fs.
Identifiers: ClinVar variation 560250 (VCV000560250.3), dbSNP rs1220210716, ClinGen allele CA640211654.